The following is an entry in ClinVar:

NM_001048174.2(MUTYH):c.845A>G (p.Gln282Arg)

Gene: MUTYH (mutY DNA glycosylase; minus strand). Cytogenetic location: 1p34.1.
Variant type: single nucleotide variant.
Coding change: c.845A>G on transcript NM_001048174.2 (MANE Select); coding-DNA position 845, A replaced by G.
Protein change: p.Gln282Arg; replaces glutamine 282 with arginine.
Molecular consequence: missense variant. On other transcripts: non-coding transcript variant (2).
Genome position (GRCh38, 1-based): chr1:45,332,170, T>C on the plus strand (A>G on the coding strand, the complement: MUTYH is on the minus strand). VCF-style: chr1-45332170-T-C. GRCh37 (hg19) VCF-style: chr1-45797842-T-C.
Other names: c.845A>G, p.Gln282Arg (NM_001048171.2, NM_001048173.2, NM_001293195.2); c.848A>G, p.Gln283Arg (NM_001048172.2); c.929A>G, p.Gln310Arg (NM_001128425.2); c.890A>G, p.Gln297Arg (NM_001293190.2); c.878A>G, p.Gln293Arg (NM_001293191.2); c.569A>G, p.Gln190Arg (NM_001293192.2, NM_001293196.2); c.500A>G, p.Gln167Arg (NM_001350650.2, NM_001350651.2); c.920A>G, p.Gln307Arg (NM_012222.3); short protein forms Q167R, Q190R, Q282R, Q283R, Q293R, Q297R, Q307R, Q310R.
Identifiers: ClinVar variation 1172329 (VCV001172329.8), dbSNP rs2149136707, ClinGen allele CA340134291.

ClinVar aggregate classification (germline): Conflicting classifications of pathogenicity. Review status: criteria provided, conflicting classifications (1 of 4 stars). 3 submissions from 3 submitters: Uncertain significance (2); Likely benign (1). Last evaluated 2026-07-14.

Conditions:
Familial adenomatous polyposis 2. Also called: MYH-associated polyposis; Adenomas, multiple colorectal; COLORECTAL ADENOMATOUS POLYPOSIS, AUTOSOMAL RECESSIVE; MUTYH-related attenuated familial adenomatous polyposis; ADENOMAS, MULTIPLE COLORECTAL, AUTOSOMAL RECESSIVE; FAP type 2. Identifiers: Orphanet 220460, Orphanet 247798, MedGen C3272841, MONDO:0012041, OMIM 608456.
Hereditary cancer-predisposing syndrome. Also called: Neoplastic Syndromes, Hereditary; Tumor predisposition; Hereditary Cancer Syndrome; Hereditary neoplastic syndrome. Identifiers: Orphanet 140162, MedGen C0027672, MeSH D009386, MONDO:0015356.

Submissions (3):

Ambry Genetics
Classification: Likely benign for Hereditary cancer-predisposing syndrome. Last evaluated: 2026-07-14. Review status: criteria provided, single submitter. Criteria: Ambry Variant Classification Scheme 2023. Collection method: clinical testing. Allele origin: germline.

Labcorp Genetics (formerly Invitae), Labcorp
Classification: Uncertain significance for Familial adenomatous polyposis 2. Last evaluated: 2022-11-23. Review status: criteria provided, single submitter. Criteria: Invitae Variant Classification Sherloc (09022015). Collection method: clinical testing. Allele origin: germline.
Comment: This sequence change replaces glutamine, which is neutral and polar, with arginine, which is basic and polar, at codon 310 of the MUTYH protein (p.Gln310Arg). In summary, the available evidence is currently insufficient to determine the role of this variant in disease. Therefore, it has been classified as a Variant of Uncertain Significance. Algorithms developed to predict the effect of missense changes on protein structure and function (SIFT, PolyPhen-2, Align-GVGD) all suggest that this variant is likely to be tolerated. ClinVar contains an entry for this variant (Variation ID: 1172329). This variant has not been reported in the literature in individuals affected with MUTYH-related conditions. This variant is not present in population databases (gnomAD no frequency).

Color Diagnostics, LLC DBA Color Health
Classification: Uncertain significance for Hereditary cancer-predisposing syndrome. Last evaluated: 2020-07-14. Review status: criteria provided, single submitter. Criteria: ACMG Guidelines, 2015. Collection method: clinical testing. Allele origin: germline.
Comment: This missense variant replaces glutamine with arginine at codon 310 of the MUTYH protein. This variant is also known as c.887A>G (p.Gln296Arg) based on an alternative transcript (NM_001048171). Computational prediction suggests that this variant may not impact protein structure and function (internally defined REVEL score threshold <= 0.5, PMID: 27666373). To our knowledge, functional studies have not been reported for this variant. This variant has not been reported in individuals affected with hereditary cancer in the literature. This variant has not been identified in the general population by the Genome Aggregation Database (gnomAD). The available evidence is insufficient to determine the role of this variant in disease conclusively. Therefore, this variant is classified as a Variant of Uncertain Significance.